The following is an entry in ClinVar:

NM_130837.3(OPA1):c.1700T>C (p.Ile567Thr)

Gene: OPA1 (OPA1 mitochondrial dynamin like GTPase; plus strand). Cytogenetic location: 3q29.
Variant type: single nucleotide variant.
Coding change: c.1700T>C on transcript NM_130837.3 (MANE Select); coding-DNA position 1700, T replaced by C.
Protein change: p.Ile567Thr; replaces isoleucine 567 with threonine.
Molecular consequence: missense variant.
Genome position (GRCh38, 1-based): chr3:193,645,746, T>C. VCF-style: chr3-193645746-T-C. GRCh37 (hg19) VCF-style: chr3-193363535-T-C.
Other names: c.1700T>C (NM_130837.2); c.1166T>C, p.Ile389Thr (NM_001354663.2); c.1163T>C, p.Ile388Thr (NM_001354664.2); c.1535T>C, p.Ile512Thr (NM_015560.3); c.1427T>C, p.Ile476Thr (NM_130831.3); c.1481T>C, p.Ile494Thr (NM_130832.3); c.1538T>C, p.Ile513Thr (NM_130833.3); c.1589T>C, p.Ile530Thr (NM_130834.3); and 2 more; short protein forms I512T, I567T, I494T, I513T, I530T, I531T, I476T, I388T.
Identifiers: ClinVar variation 546381 (VCV000546381.23), dbSNP rs148834015, ClinGen allele CA2759458.

ClinVar aggregate classification (germline): Conflicting classifications of pathogenicity. Review status: criteria provided, conflicting classifications (1 of 4 stars). 7 submissions from 7 submitters: Uncertain significance (6); Likely benign (1). Last evaluated 2026-03-26.

Conditions:
OPA1-related disorder. Also called: OPA1-related disorders; OPA1-related condition.
Inborn genetic diseases. Identifiers: MedGen C0950123, MeSH D030342.

Allele frequency attached by ClinVar (database versions not stated): gnomAD exomes 0.00003 and 0.00006; ExAC 0.00007; ESP Exome Variant Server 0.00008; gnomAD 0.00016 and 0.00018; TOPMed 0.00017; 1000 Genomes Project 30x 0.00031; 1000 Genomes Project 0.00040.
gnomAD v4.1: 71 of 1,613,718 alleles (0.0044%); highest among the groups gnomAD compares: African/African-American, 0.049%; no homozygotes.

Submissions (7):

PreventionGenetics, part of Exact Sciences
Classification: Uncertain significance for OPA1-related condition. Last evaluated: 2026-03-26. Review status: criteria provided, single submitter. Criteria: ACMG Guidelines, 2015. Collection method: clinical testing. Allele origin: germline.
Comment: The OPA1 c.1700T>C variant is predicted to result in the amino acid substitution p.Ile567Thr. This variant can also be denoted as c.1535T>C (p.Ile512Thr) in transcript NM_015560. To our knowledge, this variant has not been reported in the literature. This variant is present in 0.037% of alleles in individuals of African descent in gnomAD. At this time, the clinical significance of this variant is uncertain due to the absence of conclusive functional and genetic evidence.

Labcorp Genetics (formerly Invitae), Labcorp
Classification: Likely benign. Last evaluated: 2026-01-04. Review status: criteria provided, single submitter. Criteria: Invitae Variant Classification Sherloc (09022015). Collection method: clinical testing. Allele origin: germline.

Women's Health and Genetics/Laboratory Corporation of America, LabCorp
Classification: Uncertain significance. Last evaluated: 2025-11-05. Review status: criteria provided, single submitter. Criteria: LabCorp Variant Classification Summary - May 2015. Collection method: clinical testing. Allele origin: germline.
Comment: Variant summary: OPA1 c.1535T>C (p.Ile512Thr) results in a non-conservative amino acid change located in the Dynamin-type guanine nucleotide-binding (G) domain profile (IPR030381) of the encoded protein sequence. Algorithms developed to predict the effect of missense changes on protein structure and function all suggest that this variant is likely to be disruptive. The variant allele was found at a frequency of 7.1e-05 in 281636 control chromosomes, predominantly at a frequency of 0.00037 within the African or African-American subpopulation in the gnomAD database. The available data on variant occurrences in the general population are insufficient to allow any conclusion about variant significance. To our knowledge, no occurrence of c.1535T>C in individuals affected with OPA1-related conditions and no experimental evidence demonstrating its impact on protein function have been reported. ClinVar contains an entry for this variant (Variation ID: 546381). Based on the evidence outlined above, the variant was classified as uncertain significance.

Ambry Genetics
Classification: Uncertain significance for Inborn genetic diseases. Last evaluated: 2025-10-01. Review status: criteria provided, single submitter. Criteria: Ambry Variant Classification Scheme 2023. Collection method: clinical testing. Allele origin: germline.

GeneDx
Classification: Uncertain significance. Last evaluated: 2025-01-27. Review status: criteria provided, single submitter. Criteria: GeneDx Variant Classification Process June 2021. Collection method: clinical testing. Allele origin: germline. Affected: yes.
Comment: In silico analysis supports that this missense variant has a deleterious effect on protein structure/function; Has not been previously published as pathogenic or benign to our knowledge

Greenwood Genetic Center Diagnostic Laboratories, Greenwood Genetic Center
Classification: Uncertain significance. Last evaluated: 2024-10-27. Review status: criteria provided, single submitter. Criteria: ACMG Guidelines, 2015. Collection method: clinical testing. Allele origin: germline. Affected: yes.
Comment: PP3

Blueprint Genetics
Classification: Uncertain significance. Last evaluated: 2024-03-07. Review status: criteria provided, single submitter. Criteria: ACMG Guidelines, 2015. Collection method: clinical testing. Allele origin: germline.